The following is an entry in ClinVar:

NM_016247.4(IMPG2):c.3244G>A (p.Gly1082Ser)

Gene: IMPG2 (interphotoreceptor matrix proteoglycan 2; minus strand). Cytogenetic location: 3q12.3.
Variant type: single nucleotide variant.
Coding change: c.3244G>A on transcript NM_016247.4 (MANE Select); coding-DNA position 3244, G replaced by A.
Protein change: p.Gly1082Ser; replaces glycine 1082 with serine.
Molecular consequence: missense variant.
Genome position (GRCh38, 1-based): chr3:101,231,135, C>T on the plus strand (G>A on the coding strand, the complement: IMPG2 is on the minus strand). VCF-style: chr3-101231135-C-T. GRCh37 (hg19) VCF-style: chr3-100949979-C-T.
Other names: short protein forms G1082S.
Identifiers: ClinVar variation 2114485 (VCV002114485.4), dbSNP rs1294269255, ClinGen allele CA353849239.

ClinVar aggregate classification (germline): Uncertain significance (1 of 4 stars; one submission).

Submission:

Labcorp Genetics (formerly Invitae), Labcorp
Classification: Uncertain significance. Last evaluated: 2022-03-19. Review status: criteria provided, single submitter. Criteria: Invitae Variant Classification Sherloc (09022015). Collection method: clinical testing. Allele origin: germline.
Comment: In summary, the available evidence is currently insufficient to determine the role of this variant in disease. Therefore, it has been classified as a Variant of Uncertain Significance. Algorithms developed to predict the effect of missense changes on protein structure and function (SIFT, PolyPhen-2, Align-GVGD) all suggest that this variant is likely to be disruptive. This variant has not been reported in the literature in individuals affected with IMPG2-related conditions. This variant is not present in population databases (gnomAD no frequency). This sequence change replaces glycine, which is neutral and non-polar, with serine, which is neutral and polar, at codon 1082 of the IMPG2 protein (p.Gly1082Ser).